The following is an entry in ClinVar:

NM_003466.4(PAX8):c.1109C>T (p.Thr370Met)

Gene: PAX8 (paired box 8; minus strand). Cytogenetic location: 2q14.1.
Variant type: single nucleotide variant.
Coding change: c.1109C>T on transcript NM_003466.4 (MANE Select); coding-DNA position 1109, C replaced by T.
Protein change: p.Thr370Met; replaces threonine 370 with methionine.
Molecular consequence: missense variant. On other transcripts: intron variant (1).
Genome position (GRCh38, 1-based): chr2:113,227,235, G>A on the plus strand (C>T on the coding strand, the complement: PAX8 is on the minus strand). VCF-style: chr2-113227235-G-A. GRCh37 (hg19) VCF-style: chr2-113984812-G-A.
Other names: c.1030C>T, p.Arg344Cys (NM_013952.4); c.799C>T, p.Arg267Cys (NM_013953.4); c.778-7057C>T (NM_013992.4); short protein forms R267C, R344C, T370M.
Identifiers: ClinVar variation 1303477 (VCV001303477.6), dbSNP rs377351599, ClinGen allele CA1839952.

ClinVar aggregate classification (germline): Conflicting classifications of pathogenicity. Review status: criteria provided, conflicting classifications (1 of 4 stars). 4 submissions from 4 submitters: Uncertain significance (3); Likely benign (1). Last evaluated 2023-10-15.

Conditions:
Hypothyroidism, congenital, nongoitrous, 2 (CHNG2). Also called: Hypothyroidism, congenital, due to thyroid dysgenesis or hypoplasia. Identifiers: Orphanet 95712, MedGen C1869118, MONDO:0024264, OMIM 218700.
Inborn genetic diseases. Identifiers: MedGen C0950123, MeSH D030342.
Intellectual disability. Also called: intellectual disabilities; Intellectual functioning disability; Intellectual developmental disorder. Identifiers: MedGen C3714756, MeSH D008607, MONDO:0001071, HP:0001249.

Allele frequency attached by ClinVar (database versions not stated): gnomAD 0.00005; ExAC 0.00009; TOPMed 0.00006; ESP Exome Variant Server 0.00008.
gnomAD v4.1: 106 of 1,610,110 alleles (0.0066%); highest among the groups gnomAD compares: Non-Finnish European, 0.0081%; no homozygotes.

Submissions (4):

Department of Pathology and Laboratory Medicine, Sinai Health System
Classification: Uncertain significance for Hypothyroidism, congenital, nongoitrous, 2. Last evaluated: 2023-10-15. Review status: criteria provided, single submitter. Criteria: ACMG Guidelines, 2015. Collection method: research. Allele origin: germline.

Ambry Genetics
Classification: Likely benign for Inborn genetic diseases. Last evaluated: 2023-05-24. Review status: criteria provided, single submitter. Criteria: Ambry Variant Classification Scheme 2023. Collection method: clinical testing. Allele origin: germline.

Cambridge Genomics Laboratory, East Genomic Laboratory Hub, NHS Genomic Medicine Service
Classification: Uncertain significance for Intellectual disability. Last evaluated: 2019-12-30. Review status: criteria provided, single submitter. Criteria: ACGS Best Practice Guidelines for Variant Classification in Rare Disease 2020. Collection method: clinical testing. Allele origin: germline. Affected: yes. Observed: 1 variant allele.

GeneDx
Classification: Uncertain significance. Last evaluated: 2019-04-05. Review status: criteria provided, single submitter. Criteria: GeneDx Variant Classification Process June 2021. Collection method: clinical testing. Allele origin: germline. Affected: yes.
Comment: In silico analysis, which includes protein predictors and evolutionary conservation, supports a deleterious effect; Has not been previously published as pathogenic or benign to our knowledge